The following is an entry in ClinVar:

NM_005902.4(SMAD3):c.729C>T (p.Arg243=)

Gene: SMAD3 (SMAD family member 3; plus strand). Cytogenetic location: 15q22.33.
Variant type: single nucleotide variant.
Coding change: c.729C>T on transcript NM_005902.4 (MANE Select); coding-DNA position 729, C replaced by T.
Protein change: p.Arg243=; no amino-acid change (arginine 243 retained).
Molecular consequence: synonymous variant.
Genome position (GRCh38, 1-based): chr15:67,181,311, C>T. VCF-style: chr15-67181311-C-T. GRCh37 (hg19) VCF-style: chr15-67473649-C-T.
Other names: c.414C>T, p.Arg138= (NM_001145102.2); c.597C>T, p.Arg199= (NM_001145103.2); c.144C>T, p.Arg48= (NM_001145104.2).
Identifiers: ClinVar variation 629679 (VCV000629679.30), dbSNP rs569358776, ClinGen allele CA062615.

ClinVar aggregate classification (germline): Likely benign. Review status: criteria provided, multiple submitters, no conflicts (2 of 4 stars). 7 submissions from 7 submitters: Likely benign (6). 1 of the submissions does not count toward it. Last evaluated 2024-12-01.

Conditions:
SMAD3-related disorder. Also called: SMAD3-related condition.
Aneurysm-osteoarthritis syndrome. Also called: LOEYS-DIETZ SYNDROME WITH OSTEOARTHRITIS; SMAD3-Related Loeys-Dietz Syndrome; Loeys-Dietz syndrome, type 1C; ANEURYSMS-OSTEOARTHRITIS SYNDROME. Identifiers: Orphanet 284984, MedGen C3151087, MONDO:0013426, OMIM 613795.
Familial thoracic aortic aneurysm and aortic dissection (TAAD). Also called: Thoracic aortic aneurysms and dissections. Identifiers: Orphanet 91387, MedGen C4707243, MONDO:0019625.

Allele frequency attached by ClinVar (database versions not stated): gnomAD 0.00001 and 0.00003; TOPMed 0.00001; gnomAD exomes 0.00002 and 0.00003; ExAC 0.00004; 1000 Genomes Project 0.00040; 1000 Genomes Project 30x 0.00047.
gnomAD v4.1: 43 of 1,614,040 alleles (0.0027%); highest among the groups gnomAD compares: South Asian, 0.0055%; no homozygotes.

Submissions (7):

CeGaT Center for Human Genetics Tuebingen
Classification: Likely benign. Last evaluated: 2024-12-01. Review status: criteria provided, single submitter. Criteria: CeGaT Center For Human Genetics Tuebingen Variant Classification Criteria Version 2. Collection method: clinical testing. Allele origin: germline. Affected: yes. Observed: 1 variant allele.
Comment: SMAD3: BP4, BP7

Labcorp Genetics (formerly Invitae), Labcorp
Classification: Likely benign for Familial thoracic aortic aneurysm and aortic dissection. Last evaluated: 2024-10-06. Review status: criteria provided, single submitter. Criteria: Invitae Variant Classification Sherloc (09022015). Collection method: clinical testing. Allele origin: germline.

All of Us Research Program, National Institutes of Health
Classification: Likely benign for Aneurysm-osteoarthritis syndrome. Last evaluated: 2023-12-01. Review status: criteria provided, single submitter. Criteria: ACMG Guidelines, 2015. Collection method: clinical testing. Allele origin: germline. Inheritance: Autosomal dominant inheritance. Observed: 4 variant alleles, 4 heterozygotes.
Comment: This study involves interpretation of variants in research participants for the purpose of population health screening. Participant phenotype was not available at the time of variant classification. Additional details can be found in publication PMID: 35346344, PMCID: PMC8962531

Blueprint Genetics
Classification: Likely benign. Last evaluated: 2023-03-24. Review status: criteria provided, single submitter. Criteria: ACMG Guidelines, 2015. Collection method: clinical testing. Allele origin: germline.

Ambry Genetics
Classification: Likely benign for Familial thoracic aortic aneurysm and aortic dissection. Last evaluated: 2022-04-09. Review status: criteria provided, single submitter. Criteria: Ambry Variant Classification Scheme 2023. Collection method: clinical testing. Allele origin: germline.

Color Diagnostics, LLC DBA Color Health
Classification: Likely benign for Familial thoracic aortic aneurysm and aortic dissection. Last evaluated: 2018-10-18. Review status: criteria provided, single submitter. Criteria: ACMG Guidelines, 2015. Collection method: clinical testing. Allele origin: germline.

PreventionGenetics, part of Exact Sciences
Classification: Likely benign for SMAD3-related condition. Last evaluated: 2022-06-15. Review status: no assertion criteria provided. Collection method: clinical testing. Allele origin: germline. Not counted in ClinVar's aggregate classification.
Comment: This variant is classified as likely benign based on ACMG/AMP sequence variant interpretation guidelines (Richards et al. 2015 PMID: 25741868, with internal and published modifications).